The following is an entry in ClinVar:

ClinVar aggregate classification (germline): Uncertain significance (1 of 4 stars; one submission).

Allele frequency attached by ClinVar (database versions not stated): TOPMed 0.00013; ExAC 0.00014; gnomAD exomes 0.00018.
gnomAD v4.1: 53 of 1,613,974 alleles (0.0033%); highest among the groups gnomAD compares: Admixed American, 0.088%; no homozygotes.

Submission:

Center for Genomics, Ann and Robert H. Lurie Children's Hospital of Chicago
Classification: Uncertain significance. Last evaluated: 2021-03-30. Review status: criteria provided, single submitter. Criteria: ACMG Guidelines, 2015. Collection method: clinical testing. Allele origin: germline.
Comment: TNFRSF17 NM_001192.2 exon 2 p.Phe75Val (c.223T>G): This variant has not been reported in the literature but is present in 0.1% (40/33532) of Latino alleles in the Genome Aggregation Database. This variant amino acid Valine (Val) is present in several species including the rabbit, american alligator, green seaturtle, painted turtle, and 2 species of softshell turtle; this suggests that this variant may not impact the protein. Additional computational prediction tools do not suggest an impact. In summary, data on this variant is insufficient for disease classification. Therefore, the clinical significance of this variant is uncertain.

NM_001192.3(TNFRSF17):c.223T>G (p.Phe75Val)

Genes: NPIPB2 (nuclear pore complex interacting protein family member B2; minus strand), TNFRSF17 (TNF receptor superfamily member 17; plus strand). Cytogenetic location: 16p13.13.
Variant type: single nucleotide variant.
Coding change: c.223T>G on transcript NM_001192.3 (MANE Select); coding-DNA position 223, T replaced by G.
Protein change: p.Phe75Val; replaces phenylalanine 75 with valine.
Molecular consequence: missense variant.
Genome position (GRCh38, 1-based): chr16:11,966,287, T>G. VCF-style: chr16-11966287-T-G. GRCh37 (hg19) VCF-style: chr16-12060144-T-G.
Other names: short protein forms F75V.
Identifiers: ClinVar variation 626032 (VCV000626032.2), dbSNP rs11570148, ClinGen allele CA7907910.